The following is an entry in ClinVar:

NM_004320.6(ATP2A1):c.1513C>T (p.Arg505Trp)

Gene: ATP2A1 (ATPase sarcoplasmic/endoplasmic reticulum Ca2+ transporting 1; plus strand). Cytogenetic location: 16p11.2.
Variant type: single nucleotide variant.
Coding change: c.1513C>T on transcript NM_004320.6 (MANE Select); coding-DNA position 1513, C replaced by T.
Protein change: p.Arg505Trp; replaces arginine 505 with tryptophan.
Molecular consequence: missense variant.
Genome position (GRCh38, 1-based): chr16:28,898,093, C>T. VCF-style: chr16-28898093-C-T. GRCh37 (hg19) VCF-style: chr16-28909414-C-T.
Other names: c.1138C>T, p.Arg380Trp (NM_001286075.2); c.1513C>T, p.Arg505Trp (NM_173201.5); short protein forms R505W, R380W.
Identifiers: ClinVar variation 1468087 (VCV001468087.5), dbSNP rs758484056, ClinGen allele CA7986998.

ClinVar aggregate classification (germline): Uncertain significance (1 of 4 stars; one submission).

Conditions:
Brody myopathy. Also called: BRODY DISEASE. Identifiers: Orphanet 53347, MedGen C1832918, MONDO:0010977, OMIM 601003.

Allele frequency attached by ClinVar (database versions not stated): gnomAD exomes below 0.00001 and 0.00001; ExAC 0.00001; gnomAD 0.00001 and 0.00002; TOPMed 0.00002.

Submission:

Labcorp Genetics (formerly Invitae), Labcorp
Classification: Uncertain significance for Brody myopathy. Last evaluated: 2022-03-08. Review status: criteria provided, single submitter. Criteria: Invitae Variant Classification Sherloc (09022015). Collection method: clinical testing. Allele origin: germline.
Comment: This sequence change replaces arginine, which is basic and polar, with tryptophan, which is neutral and slightly polar, at codon 505 of the ATP2A1 protein (p.Arg505Trp). This variant is present in population databases (rs758484056, gnomAD 0.003%). This variant has not been reported in the literature in individuals affected with ATP2A1-related conditions. Algorithms developed to predict the effect of missense changes on protein structure and function are either unavailable or do not agree on the potential impact of this missense change (SIFT: "Deleterious"; PolyPhen-2: "Possibly Damaging"; Align-GVGD: "Class C0"). In summary, the available evidence is currently insufficient to determine the role of this variant in disease. Therefore, it has been classified as a Variant of Uncertain Significance.